The following is an entry in ClinVar:

NM_032578.4(MYPN):c.2736G>A (p.Leu912=)

Gene: MYPN (myopalladin; plus strand). Cytogenetic location: 10q21.3.
Variant type: single nucleotide variant.
Coding change: c.2736G>A on transcript NM_032578.4 (MANE Select); coding-DNA position 2736, G replaced by A.
Protein change: p.Leu912=; no amino-acid change (leucine 912 retained).
Molecular consequence: synonymous variant. On other transcripts: non-coding transcript variant (2).
Genome position (GRCh38, 1-based): chr10:68,188,937, G>A. VCF-style: chr10-68188937-G-A. GRCh37 (hg19) VCF-style: chr10-69948694-G-A.
Other names: c.2736G>A, p.Leu912= (NM_001256267.2); c.1854G>A, p.Leu618= (NM_001256268.2).
Identifiers: ClinVar variation 388492 (VCV000388492.9), dbSNP rs1057523127, ClinGen allele CA16605667.

ClinVar aggregate classification (germline): Likely benign. Review status: criteria provided, multiple submitters, no conflicts (2 of 4 stars). 2 submissions from 2 submitters: Likely benign (2). Last evaluated 2022-11-17.

Conditions:
Dilated cardiomyopathy 1KK (CMD1KK). Identifiers: Orphanet 154, Orphanet 75249, MedGen C3714995, MONDO:0014100, OMIM 615248.

Allele frequency attached by ClinVar (database versions not stated): gnomAD exomes below 0.00001.
gnomAD v4.1: 2 of 1,614,050 alleles (0.00012%); highest among the groups gnomAD compares: African/African-American, 0.0027%; no homozygotes.

Submissions (2):

Labcorp Genetics (formerly Invitae), Labcorp
Classification: Likely benign for Dilated cardiomyopathy 1KK. Last evaluated: 2022-11-17. Review status: criteria provided, single submitter. Criteria: Invitae Variant Classification Sherloc (09022015). Collection method: clinical testing. Allele origin: germline.

GeneDx
Classification: Likely benign. Last evaluated: 2016-08-05. Review status: criteria provided, single submitter. Criteria: GeneDx Variant Classification (06012015). Collection method: clinical testing. Allele origin: germline. Affected: yes.
Comment: This variant is considered likely benign or benign based on one or more of the following criteria: it is a conservative change, it occurs at a poorly conserved position in the protein, it is predicted to be benign by multiple in silico algorithms, and/or has population frequency not consistent with disease.